The following is an entry in ClinVar:

ClinVar aggregate classification (germline): Likely pathogenic (1 of 4 stars; one submission).

Submission:

GeneDx
Classification: Likely pathogenic. Last evaluated: 2020-11-19. Review status: criteria provided, single submitter. Criteria: GeneDx Variant Classification Process June 2021. Collection method: clinical testing. Allele origin: germline. Affected: yes.
Comment: Not observed in large population cohorts (Lek et al., 2016); Has not been previously published as pathogenic or benign to our knowledge

NM_000138.5(FBN1):c.2262_2263del (p.Tyr754_Glu755delinsTer)

Gene: FBN1 (fibrillin 1; minus strand). Cytogenetic location: 15q21.1.
Variant type: Deletion.
Coding change: c.2262_2263del on transcript NM_000138.5 (MANE Select); coding-DNA positions 2262 to 2263, 2 bases deleted (TG; older notation c.2262_2263delTG).
Protein change: p.Tyr754_Glu755delinsTer.
Molecular consequence: nonsense.
Genome position (GRCh38, 1-based): chr15:48,497,296-48,497,297, CA deleted on the plus strand (TG on the coding strand, the reverse complement: FBN1 is on the minus strand). VCF-style (leftmost placement, unchanged base first): chr15-48497295-TCA-T. GRCh37 (hg19) VCF-style: chr15-48789492-TCA-T.
Other names: c.2262_2263delTG (NM_000138.4).
Identifiers: ClinVar variation 200152 (VCV000200152.4), dbSNP rs794728300, ClinGen allele CA012921.